The following is an entry in ClinVar:

ClinVar aggregate classification (germline): Benign. Review status: criteria provided, multiple submitters, no conflicts (2 of 4 stars). 7 submissions from 7 submitters: Benign (7). Last evaluated 2026-02-03.

Conditions:
Retinal dystrophy. Also called: Inherited retinal dystrophy. Identifiers: Orphanet 71862, MedGen C0854723, MeSH D058499, MONDO:0019118, HP:0000556.
Retinitis pigmentosa 38 (RP38). Also called: ROD-CONE DYSTROPHY, CHILDHOOD-ONSET. Identifiers: Orphanet 791, MedGen C3151228, MONDO:0013469, OMIM 613862.
Retinitis pigmentosa (RP). Identifiers: Orphanet 791, MedGen C0035334, MeSH D012174, MONDO:0019200, OMIM 268000. Inheritance: Autosomal dominant, autosomal recessive and X linked inheritance.

Allele frequency attached by ClinVar (database versions not stated): 1000 Genomes Project 0.56150; 1000 Genomes Project 30x 0.56590; ExAC 0.59717; gnomAD exomes 0.59750; TOPMed 0.61223; gnomAD 0.61916 and 0.62439; ESP Exome Variant Server 0.63402.
gnomAD v4.1: 988,789 of 1,613,772 alleles (61%); highest among the groups gnomAD compares: African/African-American, 66%; 307,002 homozygotes.

Submissions (7):

Labcorp Genetics (formerly Invitae), Labcorp
Classification: Benign. Last evaluated: 2026-02-03. Review status: criteria provided, single submitter. Criteria: Invitae Variant Classification Sherloc (09022015). Collection method: clinical testing. Allele origin: germline.

Blueprint Genetics
Classification: Benign. Last evaluated: 2024-11-26. Review status: criteria provided, single submitter. Criteria: ACMG Guidelines, 2015. Collection method: clinical testing. Allele origin: germline.

Dept Of Ophthalmology, Nagoya University
Classification: Benign for Retinal dystrophy. Last evaluated: 2023-10-01. Review status: criteria provided, single submitter. Criteria: Submitter's publication. Collection method: research. Allele origin: germline. Affected: yes.

Genome-Nilou Lab
Classification: Benign for Retinitis pigmentosa 38. Last evaluated: 2021-09-05. Review status: criteria provided, single submitter. Criteria: ACMG Guidelines, 2015. Collection method: clinical testing. Allele origin: germline. Affected: no.

GeneDx
Classification: Benign. Last evaluated: 2019-07-23. Review status: criteria provided, single submitter. Criteria: GeneDx Variant Classification Process June 2021. Collection method: clinical testing. Allele origin: germline. Affected: yes.

Illumina Laboratory Services, Illumina
Classification: Benign for Retinitis pigmentosa. Last evaluated: 2018-01-12. Review status: criteria provided, single submitter. Criteria: ICSL Variant Classification Criteria 13 December 2019. Collection method: clinical testing. Allele origin: germline.
Comment: This variant was observed in the ICSL laboratory as part of a predisposition screen in an ostensibly healthy population. It had not been previously curated by ICSL or reported in the Human Gene Mutation Database (HGMD: prior to June 1st, 2018), and was therefore a candidate for classification through an automated scoring system. Utilizing variant allele frequency, disease prevalence and penetrance estimates, and inheritance mode, an automated score was calculated to assess if this variant is too frequent to cause the disease. Based on the score and internal cut-off values, a variant classified as benign is not then subjected to further curation. The score for this variant resulted in a classification of benign for this disease.

Breakthrough Genomics
Classification: Benign. Review status: criteria provided, single submitter. Criteria: ACMG Guidelines, 2015. Collection method: not provided. Allele origin: germline. Inheritance: Autosomal recessive inheritance. Affected: yes.

NM_006343.3(MERTK):c.1397G>A (p.Arg466Lys)

Gene: MERTK (MER proto-oncogene, tyrosine kinase; plus strand). Cytogenetic location: 2q13.
Variant type: single nucleotide variant.
Coding change: c.1397G>A on transcript NM_006343.3 (MANE Select); coding-DNA position 1397, G replaced by A.
Protein change: p.Arg466Lys; replaces arginine 466 with lysine.
Molecular consequence: missense variant.
Genome position (GRCh38, 1-based): chr2:111,994,351, G>A. VCF-style: chr2-111994351-G-A. GRCh37 (hg19) VCF-style: chr2-112751928-G-A.
Other names: short protein forms R466K.
Identifiers: ClinVar variation 330754 (VCV000330754.19), dbSNP rs7604639, ClinGen allele CA1831374.